The following is an entry in ClinVar:

ClinVar aggregate classification (germline): Uncertain significance (1 of 4 stars; one submission).

Submission:

Labcorp Genetics (formerly Invitae), Labcorp
Classification: Uncertain significance. Last evaluated: 2025-01-23. Review status: criteria provided, single submitter. Criteria: Invitae Variant Classification Sherloc (09022015). Collection method: clinical testing. Allele origin: germline.
Comment: This sequence change replaces aspartic acid, which is acidic and polar, with asparagine, which is neutral and polar, at codon 701 of the CSF2RB protein (p.Asp701Asn). This variant is not present in population databases (gnomAD no frequency). This variant has not been reported in the literature in individuals affected with CSF2RB-related conditions. Invitae Evidence Modeling of protein sequence and biophysical properties (such as structural, functional, and spatial information, amino acid conservation, physicochemical variation, residue mobility, and thermodynamic stability) indicates that this missense variant is not expected to disrupt CSF2RB protein function with a negative predictive value of 80%. In summary, the available evidence is currently insufficient to determine the role of this variant in disease. Therefore, it has been classified as a Variant of Uncertain Significance.

NM_000395.3(CSF2RB):c.2101G>A (p.Asp701Asn)

Gene: CSF2RB (colony stimulating factor 2 receptor subunit beta; plus strand). Cytogenetic location: 22q12.3.
Variant type: single nucleotide variant.
Coding change: c.2101G>A on transcript NM_000395.3 (MANE Select); coding-DNA position 2101, G replaced by A.
Protein change: p.Asp701Asn; replaces aspartic acid 701 with asparagine.
Molecular consequence: missense variant.
Genome position (GRCh38, 1-based): chr22:36,937,909, G>A. VCF-style: chr22-36937909-G-A. GRCh37 (hg19) VCF-style: chr22-37333951-G-A.
Other names: c.2119G>A, p.Asp707Asn (NM_001410827.1); short protein forms D701N, D707N.
Identifiers: ClinVar variation 3616194 (VCV003616194.2).
Genomic context (GRCh38, chr22:36,937,909, plus strand): 5'-CCAAGGGTGGGAGGACAGGACCAAAAGGACAGCCCTGTGGCTATACCCATGAGCTCTGGG[G>A]ACACTGAGGACCCTGGAGTGGCCTCTGGTTATGTCTCCTCTGCAGACCTGGTATTCACCC-3'
Protein context (NP_000386.1, residues 691-711): SPVAIPMSSG[Asp701Asn]TEDPGVASGY